The following is an entry in ClinVar:

ClinVar aggregate classification (germline): Uncertain significance (1 of 4 stars; one submission).

Allele frequency attached by ClinVar (database versions not stated): ExAC 0.00016.

Submission:

Labcorp Genetics (formerly Invitae), Labcorp
Classification: Uncertain significance. Last evaluated: 2024-12-11. Review status: criteria provided, single submitter. Criteria: Invitae Variant Classification Sherloc (09022015). Collection method: clinical testing. Allele origin: germline.
Comment: This sequence change replaces arginine, which is basic and polar, with histidine, which is basic and polar, at codon 186 of the ADAMTS10 protein (p.Arg186His). This variant is present in population databases (rs781891774, gnomAD 0.1%). This variant has not been reported in the literature in individuals affected with ADAMTS10-related conditions. ClinVar contains an entry for this variant (Variation ID: 1940354). An algorithm developed to predict the effect of missense changes on protein structure and function (PolyPhen-2) suggests that this variant¬†is likely to be tolerated. In summary, the available evidence is currently insufficient to determine the role of this variant in disease. Therefore, it has been classified as a Variant of Uncertain Significance.

NM_030957.4(ADAMTS10):c.557G>A (p.Arg186His)

Gene: ADAMTS10 (ADAM metallopeptidase with thrombospondin type 1 motif 10; minus strand). Cytogenetic location: 19p13.2.
Variant type: single nucleotide variant.
Coding change: c.557G>A on transcript NM_030957.4 (MANE Select); coding-DNA position 557, G replaced by A.
Protein change: p.Arg186His; replaces arginine 186 with histidine.
Molecular consequence: missense variant.
Genome position (GRCh38, 1-based): chr19:8,603,763, C>T on the plus strand (G>A on the coding strand, the complement: ADAMTS10 is on the minus strand). VCF-style: chr19-8603763-C-T. GRCh37 (hg19) VCF-style: chr19-8668647-C-T.
Other names: short protein forms R186H.
Identifiers: ClinVar variation 1940354 (VCV001940354.3), dbSNP rs781891774, ClinGen allele CA9160801.